The following is an entry in ClinVar:

ClinVar aggregate classification (germline): Benign. Review status: criteria provided, multiple submitters, no conflicts (2 of 4 stars). 4 submissions from 4 submitters: Benign (4). Last evaluated 2026-02-01.

Conditions:
ALG9 congenital disorder of glycosylation (CDG1L). Also called: CDG Il; ALG9-CDG; CONGENITAL DISORDER OF GLYCOSYLATION, TYPE Il. Identifiers: Orphanet 79328, MedGen C2931006, MONDO:0012117, OMIM 608776.

Allele frequency attached by ClinVar (database versions not stated): gnomAD 0.00967 and 0.00979; ExAC 0.12945; 1000 Genomes Project 0.23822; gnomAD exomes 0.25083.
gnomAD v4.1: 57,806 of 405,516 alleles (14%); highest among the groups gnomAD compares: South Asian, 18%; 695 homozygotes.

Submissions (13):

Labcorp Genetics (formerly Invitae), Labcorp
Classification: Benign for ALG9 congenital disorder of glycosylation. Last evaluated: 2026-02-01. Review status: criteria provided, single submitter. Criteria: Invitae Variant Classification Sherloc (09022015). Collection method: clinical testing. Allele origin: germline.

GeneDx
Classification: Benign. Last evaluated: 2016-02-12. Review status: criteria provided, single submitter. Criteria: GeneDx Variant Classification (06012015). Collection method: clinical testing. Allele origin: germline. Affected: yes.
Comment: This variant is considered likely benign or benign based on one or more of the following criteria: it is a conservative change, it occurs at a poorly conserved position in the protein, it is predicted to be benign by multiple in silico algorithms, and/or has population frequency not consistent with disease.

Eurofins Ntd Llc (ga)
Classification: Benign. Last evaluated: 2012-07-25. Review status: criteria provided, single submitter. Criteria: EGL Classification Definitions 2015. Collection method: clinical testing. Allele origin: germline. Observed: 25 variant alleles, 18 heterozygotes, 7 homozygotes.

Breakthrough Genomics
Classification: Benign. Review status: criteria provided, single submitter. Criteria: ACMG Guidelines, 2015. Collection method: not provided. Allele origin: germline. Inheritance: Autosomal recessive inheritance. Affected: yes.

Dr. Peter K. Rogan Lab, Western University
No classification provided (evidence only). Condition: Familial cancer of breast. Review status: no classification provided. Collection method: in vitro. Allele origin: not applicable. Functional consequence: retained intron. Not counted in ClinVar's aggregate classification.

Dr. Peter K. Rogan Lab, Western University
No classification provided (evidence only). Condition: Familial cancer of breast. Review status: no classification provided. Collection method: in vitro. Allele origin: not applicable. Functional consequence: retained intron. Not counted in ClinVar's aggregate classification.

Dr. Peter K. Rogan Lab, Western University
No classification provided (evidence only). Condition: Familial cancer of breast. Review status: no classification provided. Collection method: in vitro. Allele origin: not applicable. Functional consequence: retained intron. Not counted in ClinVar's aggregate classification.

Dr. Peter K. Rogan Lab, Western University
No classification provided (evidence only). Condition: Familial cancer of breast. Review status: no classification provided. Collection method: in vitro. Allele origin: not applicable. Functional consequence: skipped exon. Not counted in ClinVar's aggregate classification.

Dr. Peter K. Rogan Lab, Western University
No classification provided (evidence only). Condition: Familial cancer of breast. Review status: no classification provided. Collection method: in vitro. Allele origin: not applicable. Functional consequence: skipped exon. Not counted in ClinVar's aggregate classification.

Dr. Peter K. Rogan Lab, Western University
No classification provided (evidence only). Condition: Familial cancer of breast. Review status: no classification provided. Collection method: in vitro. Allele origin: not applicable. Functional consequence: skipped exon, retained intron. Not counted in ClinVar's aggregate classification.

Dr. Peter K. Rogan Lab, Western University
No classification provided (evidence only). Condition: Malignant lymphoma, large B-cell, diffuse. Review status: no classification provided. Collection method: in vitro. Allele origin: not applicable. Functional consequence: skipped exon. Not counted in ClinVar's aggregate classification.

Dr. Peter K. Rogan Lab, Western University
No classification provided (evidence only). Condition: Hepatocellular carcinoma. Review status: no classification provided. Collection method: in vitro. Allele origin: not applicable. Functional consequence: retained intron. Not counted in ClinVar's aggregate classification.

Dr. Peter K. Rogan Lab, Western University
No classification provided (evidence only). Condition: Uterine carcinosarcoma. Review status: no classification provided. Collection method: in vitro. Allele origin: not applicable. Functional consequence: skipped exon. Not counted in ClinVar's aggregate classification.

NM_024740.2(ALG9):c.132-13T>G

Gene: ALG9 (ALG9 alpha-1,2-mannosyltransferase; minus strand). Cytogenetic location: 11q23.1.
Variant type: single nucleotide variant.
Coding change: c.132-13T>G on transcript NM_024740.2 (MANE Select); 13 bases into the intron before coding-DNA position 132, T replaced by G.
Molecular consequence: intron variant.
Genome position (GRCh38, 1-based): chr11:111,870,383, A>C on the plus strand (T>G on the coding strand, the complement: ALG9 is on the minus strand). VCF-style: chr11-111870383-A-C. GRCh37 (hg19) VCF-style: chr11-111741106-A-C.
Other names: c.-244+969T>G (NM_001352409.1); c.132-13T>G (NM_001352418.1, NM_001352417.1, NM_001077690.1); c.-386-13T>G (NM_001352410.1, NM_001352413.1, NM_001352423.2 and 2 more transcripts); c.-382-13T>G (NM_001352412.2, NM_001352414.2, NM_001077692.2 and 5 more transcripts); c.-600-13T>G (NM_001352422.2).
Identifiers: ClinVar variation 96133 (VCV000096133.15), dbSNP rs72994380, ClinGen allele CA149270.
Genomic context (GRCh38, chr11:111,870,383, plus strand): 5'-GTAGATCCTTCAGGTGCCCAGACTTGTCCTGCTTTGTTCCCAGATAACCTGTTCAAAAGC[A>C]AAAAAAAAAAAAAAAAAAAAAGCATGTCAGGAAGGACCTGCTAATCAGAAGACCTAAATC-3'